The following is an entry in ClinVar:

NM_006397.3(RNASEH2A):c.543_544del (p.Ala182fs)

Gene: RNASEH2A (ribonuclease H2 subunit A; plus strand). Cytogenetic location: 19p13.13.
Variant type: Microsatellite.
Coding change: c.543_544del on transcript NM_006397.3 (MANE Select); coding-DNA positions 543 to 544, 2 bases deleted (TG; older notation c.543_544delTG).
Protein change: p.Ala182fs; shifts the reading frame from alanine 182.
Molecular consequence: frameshift variant.
Genome position (GRCh38, 1-based): chr19:12,810,202-12,810,203, TG deleted; deleting any 2 consecutive bases within chr19:12,810,200-12,810,203 gives the same sequence; the c. name uses the placement nearest the transcript's 3' end. VCF-style (leftmost placement, unchanged base first): chr19-12810199-CTG-C. GRCh37 (hg19) VCF-style: chr19-12921013-CTG-C.
Other names: c.541_542TG[1], p.Ala182Glnfs (NM_006397.2); short protein forms A182fs.
Identifiers: ClinVar variation 2879361 (VCV002879361.4), dbSNP rs2512478127, ClinGen allele CA2739276511.

ClinVar aggregate classification (germline): Pathogenic (1 of 4 stars; one submission).

Conditions:
Aicardi-Goutieres syndrome 4. Identifiers: Orphanet 51, MedGen C1835912, MONDO:0012472, OMIM 610333.

Submission:

Labcorp Genetics (formerly Invitae), Labcorp
Classification: Pathogenic for Aicardi-Goutieres syndrome 4. Last evaluated: 2024-01-05. Review status: criteria provided, single submitter. Criteria: Invitae Variant Classification Sherloc (09022015). Collection method: clinical testing. Allele origin: germline.
Comment: This sequence change creates a premature translational stop signal (p.Ala182Glnfs*23) in the RNASEH2A gene. It is expected to result in an absent or disrupted protein product. Loss-of-function variants in RNASEH2A are known to be pathogenic (PMID: 21454563, 25274781). This variant is not present in population databases (gnomAD no frequency). This variant has not been reported in the literature in individuals affected with RNASEH2A-related conditions. For these reasons, this variant has been classified as Pathogenic.

Literature cited by the submitters: PubMed 21454563; PubMed 25274781.